The following is an entry in ClinVar:

ClinVar aggregate classification (germline): Benign (1 of 4 stars; one submission).

Conditions:
Hereditary diffuse gastric adenocarcinoma (HDGC). Also called: DIFFUSE GASTRIC AND LOBULAR BREAST CANCER SYNDROME. Identifiers: Orphanet 26106, MedGen C1708349, MONDO:0007648, OMIM 137215.

Submission:

Myriad Genetics, Inc.
Classification: Benign for Hereditary diffuse gastric adenocarcinoma. Last evaluated: 2024-09-20. Review status: criteria provided, single submitter. Criteria: Myriad Autosomal Dominant, Autosomal Recessive and X-Linked Classification Criteria (2023). Collection method: clinical testing. Allele origin: unknown.
Comment: This variant is considered benign. This variant is a silent/synonymous amino acid change and it is not expected to impact splicing.

NM_004360.5(CDH1):c.1908C>T (p.Ala636=)

Gene: CDH1 (cadherin 1; plus strand). Cytogenetic location: 16q22.1.
Variant type: single nucleotide variant.
Coding change: c.1908C>T on transcript NM_004360.5 (MANE Select); coding-DNA position 1908, C replaced by T.
Protein change: p.Ala636=; no amino-acid change (alanine 636 retained).
Molecular consequence: synonymous variant. On other transcripts: 5 prime UTR variant (1).
Genome position (GRCh38, 1-based): chr16:68,822,197, C>T. VCF-style: chr16-68822197-C-T. GRCh37 (hg19) VCF-style: chr16-68856100-C-T.
Other names: c.1725C>T, p.Ala575= (NM_001317184.2); c.360C>T, p.Ala120= (NM_001317185.2); c.-58C>T (NM_001317186.2).
Identifiers: ClinVar variation 3378623 (VCV003378623.1).
Genomic context (GRCh38, chr16:68,822,197, plus strand): 5'-TGCAGACCTTCCTCCCAATACATCTCCCTTCACAGCAGAACTAACACACGGGGCGAGTGC[C>T]AACTGGACCATTCAGTACAACGACCCAAGTGGGTACCTGAGTTTTATTTTGGCAACTTTG-3'
Protein context (NP_004351.1, residues 626-646): FTAELTHGAS[Ala636=]NWTIQYNDPT